The following is an entry in ClinVar:

NM_019892.6(INPP5E):c.952C>A (p.Leu318Met)

Gene: INPP5E (inositol polyphosphate-5-phosphatase E; minus strand). Cytogenetic location: 9q34.3.
Variant type: single nucleotide variant.
Coding change: c.952C>A on transcript NM_019892.6 (MANE Select); coding-DNA position 952, C replaced by A.
Protein change: p.Leu318Met; replaces leucine 318 with methionine.
Molecular consequence: missense variant.
Genome position (GRCh38, 1-based): chr9:136,434,119, G>T on the plus strand (C>A on the coding strand, the complement: INPP5E is on the minus strand). VCF-style: chr9-136434119-G-T. GRCh37 (hg19) VCF-style: chr9-139328571-G-T.
Other names: c.952C>A, p.Leu318Met (NM_001318502.2); short protein forms L318M.
Identifiers: ClinVar variation 958679 (VCV000958679.10), dbSNP rs1835775767, ClinGen allele CA375565182.

ClinVar aggregate classification (germline): Uncertain significance (1 of 4 stars; one submission).

Conditions:
Joubert syndrome. Also called: Familial aplasia of the vermis; CEREBELLOPARENCHYMAL DISORDER IV; JOUBERT-BOLTSHAUSER SYNDROME. Identifiers: Orphanet 475, MedGen C5979921, MONDO:0018772.

Allele frequency attached by ClinVar (database versions not stated): gnomAD exomes below 0.00001.
gnomAD v4.1: 2 of 1,608,460 alleles (0.00012%); highest among the groups gnomAD compares: Non-Finnish European, 0.00017%; no homozygotes.

Submission:

Labcorp Genetics (formerly Invitae), Labcorp
Classification: Uncertain significance for Joubert syndrome. Last evaluated: 2019-09-10. Review status: criteria provided, single submitter. Criteria: Invitae Variant Classification Sherloc (09022015). Collection method: clinical testing. Allele origin: germline.
Comment: In summary, the available evidence is currently insufficient to determine the role of this variant in disease. Therefore, it has been classified as a Variant of Uncertain Significance. Algorithms developed to predict the effect of missense changes on protein structure and function are either unavailable or do not agree on the potential impact of this missense change (SIFT: "Deleterious"; PolyPhen-2: "Probably Damaging"; Align-GVGD: "Class C0"). This variant has not been reported in the literature in individuals with INPP5E-related conditions. This variant is not present in population databases (ExAC no frequency). This sequence change replaces leucine with methionine at codon 318 of the INPP5E protein (p.Leu318Met). The leucine residue is highly conserved and there is a small physicochemical difference between leucine and methionine.